The following is an entry in ClinVar:

ClinVar aggregate classification (germline): Likely pathogenic (1 of 4 stars; one submission).

Submission:

GeneDx
Classification: Likely pathogenic. Last evaluated: 2016-09-29. Review status: criteria provided, single submitter. Criteria: GeneDx Variant Classification (06012015). Collection method: clinical testing. Allele origin: germline. Affected: yes.
Comment: The C2138R variant has been reported previously as a de novo variant in an individual with Sotos syndrome (Choufani et al., 2015). It was not observed in approximately 6,500 individuals of European and African American ancestry in the NHLBI Exome Sequencing Project, indicating it is not a common benign variant in these populations. The C2138R variant is a non-conservative amino acid substitution, which is likely to impact secondary protein structure as these residues differ in polarity, charge, size and/or other properties. Additionally, this substitution occurs at a position that is conserved across species, and missense variants in nearby residues (K2140E, Y2142N, H2143Y/Q) have been reported in the Human Gene Mutation Database in association with Sotos syndrome (Stenson et al., 2014), supporting the functional importance of this region of the protein. Furthermore, in silico analysis predicts this variant is probably damaging to the protein structure/function. Therefore, this variant is likely pathogenic; however, the possibility that it is benign cannot be excluded.

NM_022455.5(NSD1):c.6412T>C (p.Cys2138Arg)

Gene: NSD1 (nuclear receptor binding SET domain protein 1; plus strand). Cytogenetic location: 5q35.3.
Variant type: single nucleotide variant.
Coding change: c.6412T>C on transcript NM_022455.5 (MANE Select); coding-DNA position 6412, T replaced by C.
Protein change: p.Cys2138Arg; replaces cysteine 2138 with arginine.
Molecular consequence: missense variant.
Genome position (GRCh38, 1-based): chr5:177,292,107, T>C. VCF-style: chr5-177292107-T-C. GRCh37 (hg19) VCF-style: chr5-176719108-T-C.
Other names: c.5539T>C, p.Cys1847Arg (NM_001365684.2, NM_001409308.1, NM_172349.5); c.6412T>C, p.Cys2138Arg (NM_001409301.1, NM_001409302.1, NM_001409303.1); c.5992T>C, p.Cys1998Arg (NM_001409304.1); c.5659T>C, p.Cys1887Arg (NM_001409305.1); c.5650T>C, p.Cys1884Arg (NM_001409306.1, NM_001409307.1); c.5290T>C, p.Cys1764Arg (NM_001409309.1); short protein forms C2138R, C1869R, C1887R, C1847R, C1764R, C1884R, C1998R.
Identifiers: ClinVar variation 422366 (VCV000422366.2), dbSNP rs1064795734, ClinGen allele CA16618186.
Genomic context (GRCh38, chr5:177,292,107, plus strand): 5'-GAAGATGAGTGTTTTAGTTGTGGGGATGCTGGCCAGCTCGTCTCCTGCAAGAAACCAGGC[T>C]GCCCAAAAGTTTACCACGCAGACTGTCTCAATCTGACCAAGCGACCAGCAGGTTGGTGCC-3'
Protein context (NP_071900.2, residues 2128-2148): GQLVSCKKPG[Cys2138Arg]PKVYHADCLN